The following is an entry in ClinVar:

NC_000003.11:g.(?_40924962)_(43760024_?)dup

Genes: ABHD5 (abhydrolase domain containing 5, lysophosphatidic acid acyltransferase; plus strand), ACKR2 (atypical chemokine receptor 2; plus strand), ANO10 (anoctamin 10; minus strand), CCDC13 (coiled-coil domain containing 13; minus strand), CCK (cholecystokinin; minus strand) and 19 more. Cytogenetic location: 3p22.1-21.33.
Variant type: Duplication.
Identifiers: ClinVar variation 1441558 (VCV001441558.4).

ClinVar aggregate classification (germline): Uncertain significance (1 of 4 stars; one submission).

Conditions:
Muscular dystrophy-dystroglycanopathy (congenital with brain and eye anomalies), type a, 8 (MDDGA8). Also called: WALKER-WARBURG SYNDROME OR MUSCLE-EYE-BRAIN DISEASE, GTDC2-RELATED. Identifiers: Orphanet 899, MedGen C3553813, MONDO:0013904, OMIM 614830.

Submission:

Labcorp Genetics (formerly Invitae), Labcorp
Classification: Uncertain significance for Muscular dystrophy-dystroglycanopathy (congenital with brain and eye anomalies), type a, 8. Last evaluated: 2021-11-30. Review status: criteria provided, single submitter. Criteria: Invitae Variant Classification Sherloc (09022015). Collection method: clinical testing. Allele origin: germline.
Comment: In summary, the available evidence is currently insufficient to determine the role of this variant in disease. Therefore, it has been classified as a Variant of Uncertain Significance. This variant has not been reported in the literature in individuals affected with POMGNT2-related conditions. A copy number gain of the genomic region encompassing the full coding sequence of the POMGNT2 gene has been identified. The boundaries of this event are unknown as they extend beyond the assayed region for this gene and therefore may encompass additional genes. As the precise location of this event is unknown, it may be in tandem or it may be located elsewhere in the genome.